The following is an entry in ClinVar:

ClinVar aggregate classification (germline): Uncertain significance. Review status: criteria provided, multiple submitters, no conflicts (2 of 4 stars). 2 submissions from 2 submitters: Uncertain significance (2). Last evaluated 2025-12-01.

Allele frequency attached by ClinVar (database versions not stated): TOPMed below 0.00001; gnomAD 0.00001 and 0.00002; gnomAD exomes 0.00001 and 0.00003; ExAC 0.00003; 1000 Genomes Project 30x 0.00016; 1000 Genomes Project 0.00020.
gnomAD v4.1: 9 of 1,613,760 alleles (0.00056%); highest among the groups gnomAD compares: East Asian, 0.02%; no homozygotes.

Submissions (2):

Labcorp Genetics (formerly Invitae), Labcorp
Classification: Uncertain significance. Last evaluated: 2025-12-01. Review status: criteria provided, single submitter. Criteria: Invitae Variant Classification Sherloc (09022015). Collection method: clinical testing. Allele origin: germline.
Comment: This sequence change replaces serine, which is neutral and polar, with proline, which is neutral and non-polar, at codon 728 of the SAMD9L protein (p.Ser728Pro). This variant is present in population databases (rs143935431, gnomAD 0.06%). This missense change has been observed in individual(s) with myelodysplastic syndrome (PMID: 30322869). ClinVar contains an entry for this variant (Variation ID: 1337822). Invitae Evidence Modeling of protein sequence and biophysical properties (such as structural, functional, and spatial information, amino acid conservation, physicochemical variation, residue mobility, and thermodynamic stability) indicates that this missense variant is not expected to disrupt SAMD9L protein function with a negative predictive value of 80%. In summary, the available evidence is currently insufficient to determine the role of this variant in disease. Therefore, it has been classified as a Variant of Uncertain Significance.

Genetic Services Laboratory, University of Chicago
Classification: Uncertain significance. Last evaluated: 2021-01-25. Review status: criteria provided, single submitter. Criteria: ACMG Guidelines, 2015. Collection method: clinical testing. Allele origin: germline. Affected: no.
Comment: This sequence change has been described in the gnomAD database with a low population frequency of 0.050% in the East Asian sub population (dbSNP rs143935431). The p.Ser728Pro change affects a moderately conserved amino acid residue located in a domain of the SAMD9L protein that is not known to be functional. The p.Ser728Pro substitution appears to be benign using several in-silico pathogenicity prediction tools (SIFT, PolyPhen2, Align GVGD, REVEL)however this information does not predict clinical significance on its own. Due to these contrasting evidences and the lack of functional studies, the clinical significance of the p.Ser728Pro change remains unknown at this time.

Literature cited by the submitters: PubMed 30322869 (cited by Labcorp Genetics (formerly Invitae), Labcorp).

NM_152703.5(SAMD9L):c.2182T>C (p.Ser728Pro)

Gene: SAMD9L (sterile alpha motif domain containing 9 like; minus strand). Cytogenetic location: 7q21.2.
Variant type: single nucleotide variant.
Coding change: c.2182T>C on transcript NM_152703.5 (MANE Select); coding-DNA position 2182, T replaced by C.
Protein change: p.Ser728Pro; replaces serine 728 with proline.
Molecular consequence: missense variant.
Genome position (GRCh38, 1-based): chr7:93,133,790, A>G on the plus strand (T>C on the coding strand, the complement: SAMD9L is on the minus strand). VCF-style: chr7-93133790-A-G. GRCh37 (hg19) VCF-style: chr7-92763103-A-G.
Other names: c.2182T>C, p.Ser728Pro (NM_001303496.3, NM_001303497.3, NM_001303498.3 and 5 more transcripts); short protein forms S728P.
Identifiers: ClinVar variation 1337822 (VCV001337822.9), dbSNP rs143935431, ClinGen allele CA4343624.